The following is an entry in ClinVar:

NM_001918.5(DBT):c.442G>T (p.Glu148Ter)

Gene: DBT (dihydrolipoamide branched chain transacylase E2; minus strand). Cytogenetic location: 1p21.2.
Variant type: single nucleotide variant.
Coding change: c.442G>T on transcript NM_001918.5 (MANE Select); coding-DNA position 442, G replaced by T.
Protein change: p.Glu148Ter; replaces glutamic acid 148 with a stop codon.
Molecular consequence: nonsense.
Genome position (GRCh38, 1-based): chr1:100,218,739, C>A on the plus strand (G>T on the coding strand, the complement: DBT is on the minus strand). VCF-style: chr1-100218739-C-A. GRCh37 (hg19) VCF-style: chr1-100684295-C-A.
Other names: short protein forms E148*.
Identifiers: ClinVar variation 801529 (VCV000801529.6), dbSNP rs1570820579, ClinGen allele CA341340708.

ClinVar aggregate classification (germline): Pathogenic/Likely pathogenic. Review status: criteria provided, multiple submitters, no conflicts (2 of 4 stars). 3 submissions from 3 submitters: Pathogenic (1); Likely pathogenic (2). Last evaluated 2023-04-11.

Conditions:
Maple syrup urine disease (MSUD). Identifiers: Orphanet 511, MedGen C0024776, MeSH D008375, MONDO:0009563. Disease mechanism: loss of function.

Submissions (3):

Genome-Nilou Lab
Classification: Likely pathogenic for Maple syrup urine disease type 1A. Last evaluated: 2023-04-11. Review status: criteria provided, single submitter. Criteria: ACMG Guidelines, 2015. Collection method: clinical testing. Allele origin: germline. Affected: no.

Labcorp Genetics (formerly Invitae), Labcorp
Classification: Pathogenic for Maple syrup urine disease. Last evaluated: 2022-03-13. Review status: criteria provided, single submitter. Criteria: Invitae Variant Classification Sherloc (09022015). Collection method: clinical testing. Allele origin: germline.
Comment: This premature translational stop signal has been observed in individual(s) with clinical features of maple syrup urine disease (PMID: 33131499). For these reasons, this variant has been classified as Pathogenic. Algorithms developed to predict the effect of sequence changes on RNA splicing suggest that this variant may create or strengthen a splice site. ClinVar contains an entry for this variant (Variation ID: 801529). This variant is not present in population databases (gnomAD no frequency). This sequence change creates a premature translational stop signal (p.Glu148*) in the DBT gene. It is expected to result in an absent or disrupted protein product. Loss-of-function variants in DBT are known to be pathogenic (PMID: 16579849, 16786533).

Mendelics
Classification: Likely pathogenic for Maple syrup urine disease type 1A. Last evaluated: 2019-05-28. Review status: criteria provided, single submitter. Criteria: Mendelics Assertion Criteria 2017. Collection method: clinical testing. Allele origin: unknown.

Literature cited by the submitters: PubMed 33131499 (cited by Labcorp Genetics (formerly Invitae), Labcorp); PubMed 16579849 (cited by Labcorp Genetics (formerly Invitae), Labcorp); PubMed 16786533 (cited by Labcorp Genetics (formerly Invitae), Labcorp).